The following is an entry in ClinVar:

ClinVar aggregate classification (germline): Likely benign. Review status: criteria provided, multiple submitters, no conflicts (2 of 4 stars). 3 submissions from 3 submitters: Likely benign (3). Last evaluated 2025-03-14.

Conditions:
ABCC6-related disorder. Also called: ABCC6-related condition.

Allele frequency attached by ClinVar (database versions not stated): TOPMed 0.00002; gnomAD 0.00004; ExAC 0.00005; gnomAD exomes 0.00012.
gnomAD v4.1: 169 of 1,610,522 alleles (0.01%); highest among the groups gnomAD compares: East Asian, 0.38%; 1 homozygote.

Submissions (3):

Labcorp Genetics (formerly Invitae), Labcorp
Classification: Likely benign. Last evaluated: 2025-03-14. Review status: criteria provided, single submitter. Criteria: Invitae Variant Classification Sherloc (09022015). Collection method: clinical testing. Allele origin: germline.

PreventionGenetics, part of Exact Sciences
Classification: Likely benign for ABCC6-related condition. Last evaluated: 2024-12-13. Review status: criteria provided, single submitter. Criteria: ACMG Guidelines, 2015. Collection method: clinical testing. Allele origin: germline.
Comment: This variant is classified as likely benign based on ACMG/AMP sequence variant interpretation guidelines (Richards et al. 2015 PMID: 25741868, with internal and published modifications).

Blueprint Genetics
Classification: Likely benign. Last evaluated: 2020-08-21. Review status: criteria provided, single submitter. Criteria: ACMG Guidelines, 2015. Collection method: clinical testing. Allele origin: germline.

NM_001171.6(ABCC6):c.4005G>A (p.Leu1335=)

Gene: ABCC6 (ATP binding cassette subfamily C member 6; minus strand). Cytogenetic location: 16p13.11.
Variant type: single nucleotide variant.
Coding change: c.4005G>A on transcript NM_001171.6 (MANE Select); coding-DNA position 4005, G replaced by A.
Protein change: p.Leu1335=; no amino-acid change (leucine 1335 retained).
Molecular consequence: synonymous variant. On other transcripts: non-coding transcript variant (1).
Genome position (GRCh38, 1-based): chr16:16,154,909, C>T on the plus strand (G>A on the coding strand, the complement: ABCC6 is on the minus strand). VCF-style: chr16-16154909-C-T. GRCh37 (hg19) VCF-style: chr16-16248766-C-T.
Other names: c.3663G>A, p.Leu1221= (NM_001351800.1); c.4005G>A (NM_001171.5).
Identifiers: ClinVar variation 2060876 (VCV002060876.6), dbSNP rs770266146, ClinGen allele CA7925352.